The following is an entry in ClinVar:

ClinVar aggregate classification (germline): Benign. Review status: criteria provided, multiple submitters, no conflicts (2 of 4 stars). 4 submissions from 3 submitters: Benign (4). Last evaluated 2021-07-01.

Conditions:
Usher syndrome type 1D (USH1D). Also called: USHER SYNDROME, TYPE ID. Identifiers: Orphanet 231169, Orphanet 886, MedGen C1832845, MONDO:0010984, OMIM 601067.
Autosomal recessive nonsyndromic hearing loss 12. Also called: DEAFNESS, AUTOSOMAL RECESSIVE 12. Identifiers: Orphanet 90636, MedGen C1832394, MONDO:0011067, OMIM 601386.

Allele frequency attached by ClinVar (database versions not stated): TOPMed 0.09077; 1000 Genomes Project 30x 0.12726; 1000 Genomes Project 0.13019.
gnomAD v4.1: 153,602 of 1,579,956 alleles (9.7%); highest among the groups gnomAD compares: East Asian, 29%; 9,751 homozygotes.

Submissions (7):

Genome-Nilou Lab
Classification: Benign for Usher syndrome type 1D. Last evaluated: 2021-07-01. Review status: criteria provided, single submitter. Criteria: ACMG Guidelines, 2015. Collection method: clinical testing. Allele origin: germline. Affected: no.

Genome-Nilou Lab
Classification: Benign for Autosomal recessive nonsyndromic hearing loss 12. Last evaluated: 2021-07-01. Review status: criteria provided, single submitter. Criteria: ACMG Guidelines, 2015. Collection method: clinical testing. Allele origin: germline. Affected: no.

GeneDx
Classification: Benign. Last evaluated: 2018-06-13. Review status: criteria provided, single submitter. Criteria: GeneDx Variant Classification (06012015). Collection method: clinical testing. Allele origin: germline. Affected: yes.
Comment: This variant is considered likely benign or benign based on one or more of the following criteria: it is a conservative change, it occurs at a poorly conserved position in the protein, it is predicted to be benign by multiple in silico algorithms, and/or has population frequency not consistent with disease.

Breakthrough Genomics
Classification: Benign. Review status: criteria provided, single submitter. Criteria: ACMG Guidelines, 2015. Collection method: not provided. Allele origin: germline. Inheritance: Autosomal recessive inheritance. Affected: yes.

Dr. Peter K. Rogan Lab, Western University
No classification provided (evidence only). Condition: Uterine corpus endometrial carcinoma. Review status: no classification provided. Collection method: in vitro. Allele origin: not applicable. Functional consequence: retained intron. Not counted in ClinVar's aggregate classification.

Dr. Peter K. Rogan Lab, Western University
No classification provided (evidence only). Condition: Uterine carcinosarcoma. Review status: no classification provided. Collection method: in vitro. Allele origin: not applicable. Functional consequence: retained intron. Not counted in ClinVar's aggregate classification.

Dr. Peter K. Rogan Lab, Western University
No classification provided (evidence only). Condition: Uterine carcinosarcoma. Review status: no classification provided. Collection method: in vitro. Allele origin: not applicable. Functional consequence: retained intron. Not counted in ClinVar's aggregate classification.

NM_022124.6(CDH23):c.5187+73C>T

Gene: CDH23 (cadherin related 23; plus strand). Cytogenetic location: 10q22.1.
Variant type: single nucleotide variant.
Coding change: c.5187+73C>T on transcript NM_022124.6 (MANE Select); 73 bases into the intron after coding-DNA position 5187, C replaced by T.
Molecular consequence: intron variant.
Genome position (GRCh38, 1-based): chr10:71,778,381, C>T. VCF-style: chr10-71778381-C-T. GRCh37 (hg19) VCF-style: chr10-73538138-C-T.
Other names: NC_000010.10:g.73538138C>T.
Identifiers: ClinVar variation 676653 (VCV000676653.6), dbSNP rs10823843, ClinGen allele CA16394102.